The following is an entry in ClinVar:

NM_181486.4(TBX5):c.1332C>A (p.Asn444Lys)

Gene: TBX5 (T-box transcription factor 5; minus strand). Cytogenetic location: 12q24.21.
Variant type: single nucleotide variant.
Coding change: c.1332C>A on transcript NM_181486.4 (MANE Select); coding-DNA position 1332, C replaced by A.
Protein change: p.Asn444Lys; replaces asparagine 444 with lysine.
Molecular consequence: missense variant.
Genome position (GRCh38, 1-based): chr12:114,355,757, G>T on the plus strand (C>A on the coding strand, the complement: TBX5 is on the minus strand). VCF-style: chr12-114355757-G-T. GRCh37 (hg19) VCF-style: chr12-114793562-G-T.
Other names: c.1332C>A, p.Asn444Lys (NM_000192.3); c.1182C>A, p.Asn394Lys (NM_080717.4); short protein forms N394K, N444K.
Identifiers: ClinVar variation 1770167 (VCV001770167.2), dbSNP rs2540424885, ClinGen allele CA386925291.

ClinVar aggregate classification (germline): Uncertain significance (1 of 4 stars; one submission).

Conditions:
Cardiovascular phenotype. Identifiers: MedGen CN230736.

Submission:

Ambry Genetics
Classification: Uncertain significance for Cardiovascular phenotype. Last evaluated: 2020-11-10. Review status: criteria provided, single submitter. Criteria: Ambry Variant Classification Scheme 2023. Collection method: clinical testing. Allele origin: germline.
Comment: The p.N444K variant (also known as c.1332C>A), located in coding exon 8 of the TBX5 gene, results from a C to A substitution at nucleotide position 1332. The asparagine at codon 444 is replaced by lysine, an amino acid with similar properties. This amino acid position is well conserved in available vertebrate species. In addition, this alteration is predicted to be tolerated by in silico analysis. Since supporting evidence is limited at this time, the clinical significance of this alteration remains unclear.